The following is an entry in ClinVar:

NM_013275.6(ANKRD11):c.6772dup (p.Ala2258fs)

Gene: ANKRD11 (ankyrin repeat domain 11; minus strand). Cytogenetic location: 16q24.3.
Variant type: Duplication.
Coding change: c.6772dup on transcript NM_013275.6 (MANE Select); coding-DNA position 6772, one base duplicated (G; older notation c.6772dupG).
Protein change: p.Ala2258fs; shifts the reading frame from alanine 2258.
Molecular consequence: frameshift variant.
Genome position (GRCh38, 1-based): chr16:89,279,770, C duplicated on the plus strand (G on the coding strand, the reverse complement: ANKRD11 is on the minus strand); the first of 5 consecutive C bases (chr16:89,279,770-89,279,774); duplicating any one gives the same sequence. VCF-style (leftmost placement, unchanged base first): chr16-89279769-G-GC. GRCh37 (hg19) VCF-style: chr16-89346177-G-GC.
Other names: c.6772dup, p.Ala2258fs (NM_001256182.2, NM_001256183.2); short protein forms A2258fs.
Identifiers: ClinVar variation 1373984 (VCV001373984.6), dbSNP rs2151733753, ClinGen allele CA2573152859.

ClinVar aggregate classification (germline): Pathogenic (1 of 4 stars; one submission).

Conditions:
KBG syndrome (KBGS). Also called: ANKRD11-Related KBG Syndrome. Identifiers: Orphanet 2332, MedGen C0220687, MONDO:0007846, OMIM 148050.

Submission:

Labcorp Genetics (formerly Invitae), Labcorp
Classification: Pathogenic for KBG syndrome. Last evaluated: 2021-07-16. Review status: criteria provided, single submitter. Criteria: Invitae Variant Classification Sherloc (09022015). Collection method: clinical testing. Allele origin: germline.
Comment: This premature translational stop signal has been observed in individual(s) with clinical features of ANKRD11-related conditions (Invitae). In at least one individual the variant was observed to be de novo. This sequence change creates a premature translational stop signal (p.Ala2258Glyfs*2) in the ANKRD11 gene. It is expected to result in an absent or disrupted protein product. Loss-of-function variants in ANKRD11 are known to be pathogenic (PMID: 21782149, 25125236, 25413698, 25652421). The frequency data for this variant in the population databases is considered unreliable, as metrics indicate insufficient coverage at this position in the ExAC database. For these reasons, this variant has been classified as Pathogenic.

Literature cited by the submitters: PubMed 21782149; PubMed 25125236; PubMed 25413698; PubMed 25652421.